The following is an entry in ClinVar:

NM_001162501.2(TNRC6B):c.642C>T (p.Asn214=)

Gene: TNRC6B (trinucleotide repeat containing adaptor 6B; plus strand). Cytogenetic location: 22q13.1.
Variant type: single nucleotide variant.
Coding change: c.642C>T on transcript NM_001162501.2 (MANE Select); coding-DNA position 642, C replaced by T.
Protein change: p.Asn214=; no amino-acid change (asparagine 214 retained).
Molecular consequence: synonymous variant. On other transcripts: intron variant (1).
Genome position (GRCh38, 1-based): chr22:40,264,872, C>T. VCF-style: chr22-40264872-C-T. GRCh37 (hg19) VCF-style: chr22-40660876-C-T.
Other names: c.642C>T, p.Asn214= (NM_015088.3); c.565+2699C>T (NM_001024843.2).
Identifiers: ClinVar variation 3257283 (VCV003257283.17).

ClinVar aggregate classification (germline): Likely benign (1 of 4 stars; one submission).

gnomAD v4.1: 16 of 1,613,790 alleles (0.00099%); highest among the groups gnomAD compares: Non-Finnish European, 0.0013%; no homozygotes.

Submission:

CeGaT Center for Human Genetics Tuebingen
Classification: Likely benign. Last evaluated: 2024-07-01. Review status: criteria provided, single submitter. Criteria: CeGaT Center For Human Genetics Tuebingen Variant Classification Criteria Version 2. Collection method: clinical testing. Allele origin: germline. Affected: yes. Observed: 1 variant allele.
Comment: TNRC6B: BP4, BP7